The following is an entry in ClinVar:

NM_000202.8(IDS):c.1362_1365dup (p.Asn456delinsTrpTer)

Gene: IDS (iduronate 2-sulfatase; minus strand). Cytogenetic location: Xq28.
Variant type: Duplication.
Coding change: c.1362_1365dup on transcript NM_000202.8 (MANE Select); coding-DNA positions 1362 to 1365, 4 bases duplicated (TGGT; older notation c.1362_1365dupTGGT).
Protein change: p.Asn456delinsTrpTer.
Molecular consequence: nonsense.
Genome position (GRCh38, 1-based): chrX:149,483,034-149,483,037, ACCA duplicated on the plus strand (TGGT on the coding strand, the reverse complement: IDS is on the minus strand). VCF-style (leftmost placement, unchanged base first): chrX-149483033-T-TACCA. GRCh37 (hg19) VCF-style: chrX-148564564-T-TACCA.
Other names: c.1092_1095dup, p.Asn366delinsTrpTer (NM_001166550.4).
Identifiers: ClinVar variation 3256036 (VCV003256036.2).

ClinVar aggregate classification (germline): Pathogenic (1 of 4 stars; one submission).

Conditions:
Mucopolysaccharidosis, MPS-II (MPS2). Also called: Hunter Syndrome; IDURONATE 2-SULFATASE DEFICIENCY; Mucopolysaccharidosis Type II; Mucopolysaccharidosis type 2; Attenuated MPS (subtype; formerly known as mild MPS II); Severe MPS II. Identifiers: Orphanet 580, Orphanet 79388, MedGen C0026705, MONDO:0010674, OMIM 309900.

Submission:

Laboratory of Diagnosis and Therapy of Lysosomal Disorders, University of Padova
Classification: Pathogenic for Mucopolysaccharidosis, MPS-II. Last evaluated: 2024-06-07. Review status: criteria provided, single submitter. Criteria: ACMG Guidelines, 2015. Collection method: literature only. Allele origin: germline. Affected: yes. Observed: 2 variant alleles.
Comment: Null variant (PVS1_Strong), Absent from controls (or at low frequency) in gnomAD database (PM2_Moderate), Patient’s phenotype or family history highly specific for the disease (PP4_Strong)

Classification method: ACMG Guidelines [PMID:25741868] with modifications

Literature cited by the submitters: PubMed 24515576; PubMed 22976768.